The following is an entry in ClinVar:

NM_138370.3(PKDCC):c.1396+3G>A

Gene: PKDCC (protein kinase domain containing, cytoplasmic; plus strand). Cytogenetic location: 2p21.
Variant type: single nucleotide variant.
Coding change: c.1396+3G>A on transcript NM_138370.3 (MANE Select); 3 bases into the intron after coding-DNA position 1396, G replaced by A.
Molecular consequence: intron variant.
Genome position (GRCh38, 1-based): chr2:42,057,397, G>A. VCF-style: chr2-42057397-G-A. GRCh37 (hg19) VCF-style: chr2-42284537-G-A.
Identifiers: ClinVar variation 4990818 (VCV004990818.1).
Genomic context (GRCh38, chr2:42,057,397, plus strand): 5'-TGTGAGAGCCATGCCCAGTGTCGGGCCTTTGTGGTCACCAACCAGACCACCTGGACAGGT[G>A]AGCCAGTGGGAGAAGCCCTTCCAAGGGAGATGGCAGGACCTCTCTGGAGGTTGATAGATA-3'

ClinVar aggregate classification (germline): Likely benign (1 of 4 stars; one submission).

Conditions:
PKDCC-related disorder. Also called: PKDCC-related condition.

gnomAD v4.1: 8 of 1,614,146 alleles (0.0005%); highest among the groups gnomAD compares: Middle Eastern, 0.05%; no homozygotes.

Submission:

PreventionGenetics, part of Exact Sciences
Classification: Likely benign for PKDCC-related condition. Last evaluated: 2026-03-20. Review status: criteria provided, single submitter. Criteria: ACMG Guidelines, 2015. Collection method: clinical testing. Allele origin: germline.
Comment: This variant is classified as likely benign based on ACMG/AMP sequence variant interpretation guidelines (Richards et al. 2015 PMID: 25741868, with internal and published modifications).